The following is an entry in ClinVar:

NM_001904.4(CTNNB1):c.1148G>C (p.Trp383Ser)

Gene: CTNNB1 (catenin beta 1; plus strand). Cytogenetic location: 3p22.1.
Variant type: single nucleotide variant.
Coding change: c.1148G>C on transcript NM_001904.4 (MANE Select); coding-DNA position 1148, G replaced by C.
Protein change: p.Trp383Ser; replaces tryptophan 383 with serine.
Molecular consequence: missense variant.
Genome position (GRCh38, 1-based): chr3:41,233,407, G>C. VCF-style: chr3-41233407-G-C. GRCh37 (hg19) VCF-style: chr3-41274898-G-C.
Other names: c.1148G>C, p.Trp383Ser (NM_001098209.2, NM_001098210.2, NM_001438871.1 and 4 more transcripts); c.1127G>C, p.Trp376Ser (NM_001330729.2); short protein forms W376S, W383S.
Identifiers: ClinVar variation 4530148 (VCV004530148.1).

ClinVar aggregate classification (somatic clinical impact): Tier I - Strong (1 of 4 stars; one submission).

Conditions:
Embryonal rhabdomyosarcoma (ERMS). Also called: Botryoid rhabdomyosarcoma (type of ERMS); Spindle cell rhabdomyosarcomas (type of ERMS). Identifiers: Orphanet 99757, MedGen C0206656, MONDO:0009993, HP:0006743.

Submission:

Institute for Genomic Medicine (IGM) Clinical Laboratory, Nationwide Children's Hospital
Classification: Tier I - Strong for Embryonal rhabdomyosarcoma. Assertion type: diagnostic. Clinical significance: supports diagnosis. Last evaluated: 2025-09-26. Review status: criteria provided, single submitter. Criteria: AMP/ASCO/CAP Guidelines, 2017. Collection method: clinical testing. Allele origin: somatic. Affected: yes.
Comment: Variant has Tier I (strong) clinical significance as a diagnostic inclusion criterion in embryonal rhabdomyosarcoma, based on the following evidence: 1) Documented in one or more cancer databases (e.g., St. Jude Pecan, COSMIC, CIViC, OncoKB). 2) Appears in one or more well-established professional guidelines (e.g., World Health Organization [WHO]; National Comprehensive Cancer Network [NCCN]) as providing diagnostic, prognostic, or therapeutic information. 3) Information in the literature supports potential biologic effect of variant (PMIDs: 15579438, 31857074). 4) Diagnostic for a specific tumor type/classification based on well-powered studies with expert-level consensus (Evidence Level B; PMIDs: 34166060, 24436047, 24332040, 22142829).

Literature cited by the submitters: PubMed 15579438; PubMed 31857074; PubMed 34166060; PubMed 24436047; PubMed 24332040; PubMed 22142829.